The following is an entry in ClinVar:

ClinVar aggregate classification (germline): Conflicting classifications of pathogenicity. Review status: criteria provided, conflicting classifications (1 of 4 stars). 11 submissions from 10 submitters: Pathogenic (2); Likely pathogenic (8); Uncertain significance (1). Last evaluated 2026-03-24.

Conditions:
ABCA4-related disorder. Also called: ABCA4-related disorders; ABCA4-related condition. Identifiers: MedGen CN239167.
Retinal dystrophy. Also called: Inherited retinal dystrophy. Identifiers: Orphanet 71862, MedGen C0854723, MeSH D058499, MONDO:0019118, HP:0000556.
Stargardt disease (FFM). Also called: Stargardt's disease; Fundus flavimaculatus. Identifiers: Orphanet 827, MedGen C0271093, MONDO:0019353.
Severe early-childhood-onset retinal dystrophy (STGD1). Also called: MACULAR DYSTROPHY WITH FLECKS, TYPE 1; Stargardt macular dystrophy; Juvenile onset macular degeneration; Stargardt disease 1; STGD. Identifiers: Orphanet 364055, Orphanet 827, MedGen C1855465, MeSH D000080362, MONDO:0009549, OMIM 248200.

Allele frequency attached by ClinVar (database versions not stated): gnomAD exomes 0.00002 and 0.00001; TOPMed below 0.00001; ExAC 0.00002.
gnomAD v4.1: 17 of 1,614,184 alleles (0.0011%); highest among the groups gnomAD compares: South Asian, 0.011%; no homozygotes.

Submissions (11):

Department of Molecular Genetics, Istishari Arab Hospital
Classification: Likely pathogenic for Severe early-childhood-onset retinal dystrophy. Last evaluated: 2026-03-24. Review status: criteria provided, single submitter. Criteria: ACMG Guidelines, 2015. Collection method: clinical testing. Allele origin: germline. Inheritance: Autosomal recessive inheritance. Affected: yes.
Comment: The ABCA4 variant c.4739T>C, p.Leu1580Ser creates an amino acid change from Leu to Ser at position 1580. The variant is observed with very low frequency in the gnomAD v4.1.0 dataset (<0.001). This variant has been previously reported in patients with Stargardt disease (PMID: 19265867). It is classified as likely pathogenic according to the recommendations of ACMG/AMP/ClinGen SVI guidelines.

Labcorp Genetics (formerly Invitae), Labcorp
Classification: Pathogenic. Last evaluated: 2025-04-16. Review status: criteria provided, single submitter. Criteria: Invitae Variant Classification Sherloc (09022015). Collection method: clinical testing. Allele origin: germline.
Comment: This sequence change replaces leucine, which is neutral and non-polar, with serine, which is neutral and polar, at codon 1580 of the ABCA4 protein (p.Leu1580Ser). This variant is present in population databases (rs777415466, gnomAD 0.02%). This missense change has been observed in individual(s) with inherited retinal dystrophy (PMID: 28118664, 29925512; internal data). In at least one individual the data is consistent with being in trans (on the opposite chromosome) from a pathogenic variant. ClinVar contains an entry for this variant (Variation ID: 236121). Invitae Evidence Modeling of protein sequence and biophysical properties (such as structural, functional, and spatial information, amino acid conservation, physicochemical variation, residue mobility, and thermodynamic stability) indicates that this missense variant is expected to disrupt ABCA4 protein function with a positive predictive value of 95%. For these reasons, this variant has been classified as Pathogenic.

Blueprint Genetics
Classification: Pathogenic for ABCA4-related disorders. Last evaluated: 2024-11-05. Review status: criteria provided, single submitter. Criteria: ACMG Guidelines, 2015. Collection method: clinical testing. Allele origin: germline. Affected: yes. Observed: 4 variant alleles.

Lab De Baere, Eye and Developmental Genetics Lab, Ghent University
Classification: Likely pathogenic for Stargardt disease. Last evaluated: 2024-10-01. Review status: criteria provided, single submitter. Criteria: ACMG Guidelines, 2015. Collection method: research. Allele origin: inherited. Affected: yes. Observed: 2 variant alleles.
Comment: ACMG/AMP guidelines: PM2, PP4_PP, PM3_PS

GeneDx
Classification: Uncertain significance. Last evaluated: 2024-04-03. Review status: criteria provided, single submitter. Criteria: GeneDx Variant Classification Process June 2021. Collection method: clinical testing. Allele origin: germline. Affected: yes.
Comment: In silico analysis supports that this missense variant does not alter protein structure/function; This variant is associated with the following publications: (PMID: 22229821, 28118664, 31047443, 30771335, 23882696, 29925512, 19265867, 34426522, 35156991, 33546218, 35120629, 31964843, 36460718, 32531858)

Genomic Medicine Center of Excellence, King Faisal Specialist Hospital and Research Centre
Classification: Likely pathogenic for Severe early-childhood-onset retinal dystrophy. Last evaluated: 2024-03-17. Review status: criteria provided, single submitter. Criteria: ACMG Guidelines, 2015. Collection method: research. Allele origin: germline.

Revvity Omics, Revvity
Classification: Likely pathogenic. Last evaluated: 2023-01-12. Review status: criteria provided, single submitter. Criteria: ACMG Guidelines, 2015. Collection method: clinical testing. Allele origin: germline.

Institute of Medical Molecular Genetics, University of Zurich
Classification: Likely pathogenic for Severe early-childhood-onset retinal dystrophy. Last evaluated: 2021-01-30. Review status: criteria provided, single submitter. Criteria: ACMG Guidelines, 2015. Collection method: clinical testing. Allele origin: germline. Affected: yes.

CeGaT Center for Human Genetics Tuebingen
Classification: Likely pathogenic. Last evaluated: 2018-04-01. Review status: criteria provided, single submitter. Criteria: CeGaT Center For Human Genetics Tuebingen Variant Classification Criteria Version 2. Collection method: clinical testing. Allele origin: germline. Affected: yes. Observed: 1 variant allele.

Institute of Human Genetics, Univ. Regensburg, Univ. Regensburg
Classification: Likely pathogenic for Severe early-childhood-onset retinal dystrophy. Last evaluated: 2016-01-01. Review status: criteria provided, single submitter. Criteria: Schulz et al. (Invest Ophthalmol Vis Sci. 2017). Collection method: clinical testing. Allele origin: germline. Affected: yes. Observed: 3 heterozygotes.

Institute of Human Genetics, Univ. Regensburg, Univ. Regensburg
Classification: Likely pathogenic for Retinal dystrophy. Last evaluated: 2014-01-01. Review status: criteria provided, single submitter. Criteria: ACMG Guidelines, 2015. Collection method: clinical testing. Allele origin: germline. Affected: yes.

Literature cited by the submitters: PubMed 19265867 (cited by Department of Molecular Genetics, Istishari Arab Hospital and Institute of Human Genetics, Univ. Regensburg, Univ. Regensburg); PubMed 28118664 (cited by Labcorp Genetics (formerly Invitae), Labcorp); PubMed 29925512 (cited by Labcorp Genetics (formerly Invitae), Labcorp and Institute of Human Genetics, Univ. Regensburg, Univ. Regensburg); PubMed 31964843 (cited by Institute of Human Genetics, Univ. Regensburg, Univ. Regensburg); PubMed 32531858 (cited by Institute of Human Genetics, Univ. Regensburg, Univ. Regensburg); PubMed 34426522 (cited by Institute of Human Genetics, Univ. Regensburg, Univ. Regensburg); PubMed 36460718 (cited by Institute of Human Genetics, Univ. Regensburg, Univ. Regensburg).

NM_000350.3(ABCA4):c.4739T>C (p.Leu1580Ser)

Genes: ABCA4 (ATP binding cassette subfamily A member 4; minus strand), LOC126805793 (CDK7 strongly-dependent group 2 enhancer GRCh37_chr1:94486302-94487501; plus strand). Cytogenetic location: 1p22.1.
Variant type: single nucleotide variant.
Coding change: c.4739T>C on transcript NM_000350.3 (MANE Select); coding-DNA position 4739, T replaced by C.
Protein change: p.Leu1580Ser; replaces leucine 1580 with serine.
Molecular consequence: missense variant.
Genome position (GRCh38, 1-based): chr1:94,021,880, A>G on the plus strand (T>C on the coding strand, the complement: ABCA4 is on the minus strand). VCF-style: chr1-94021880-A-G. GRCh37 (hg19) VCF-style: chr1-94487436-A-G.
Other names: p.Leu1580Ser; c.4517T>C, p.Leu1506Ser (NM_001425324.1); short protein forms L1580S, L1506S.
Identifiers: ClinVar variation 236121 (VCV000236121.63), dbSNP rs777415466, ClinGen allele CA957495.
Genomic context (GRCh38, chr1:94,021,880, plus strand): 5'-CTCAAATCTCCAGTCTGTTTACATACCCCGCTCACATTCATGATCCGGCCAAGGTCGCTT[A>G]AAAACCCAACAAGTGCTTCCCCCGTGATGGGGACGACTGGGAGCTTTCCTCCAATGGAAA-3'
Protein context (NP_000341.2, residues 1570-1590): PITGEALVGF[Leu1580Ser]SDLGRIMNVS